The following is an entry in ClinVar:

NM_001128148.3(TFRC):c.2010C>T (p.Val670=)

Gene: TFRC (transferrin receptor; minus strand). Cytogenetic location: 3q29.
Variant type: single nucleotide variant.
Coding change: c.2010C>T on transcript NM_001128148.3 (MANE Select); coding-DNA position 2010, C replaced by T.
Protein change: p.Val670=; no amino-acid change (valine 670 retained).
Molecular consequence: synonymous variant.
Genome position (GRCh38, 1-based): chr3:196,053,448, G>A on the plus strand (C>T on the coding strand, the complement: TFRC is on the minus strand). VCF-style: chr3-196053448-G-A. GRCh37 (hg19) VCF-style: chr3-195780319-G-A.
Other names: c.1767C>T, p.Val589= (NM_001313965.2); c.1164C>T, p.Val388= (NM_001313966.2); c.2010C>T, p.Val670= (NM_003234.4).
Identifiers: ClinVar variation 2057180 (VCV002057180.28), dbSNP rs150520746, ClinGen allele CA2777745.

ClinVar aggregate classification (germline): Likely benign. Review status: criteria provided, multiple submitters, no conflicts (2 of 4 stars). 2 submissions from 2 submitters: Likely benign (2). Last evaluated 2026-03-01.

Allele frequency attached by ClinVar (database versions not stated): ESP Exome Variant Server 0.00015.
gnomAD v4.1: 103 of 1,613,982 alleles (0.0064%); highest among the groups gnomAD compares: Non-Finnish European, 0.0082%; no homozygotes.

Submissions (2):

CeGaT Center for Human Genetics Tuebingen
Classification: Likely benign. Last evaluated: 2026-03-01. Review status: criteria provided, single submitter. Criteria: CeGaT Center For Human Genetics Tuebingen Variant Classification Criteria Version 2. Collection method: clinical testing. Allele origin: germline. Affected: yes. Observed: 2 variant alleles.
Comment: TFRC: BP4, BP7

Labcorp Genetics (formerly Invitae), Labcorp
Classification: Likely benign. Last evaluated: 2026-01-13. Review status: criteria provided, single submitter. Criteria: Invitae Variant Classification Sherloc (09022015). Collection method: clinical testing. Allele origin: germline.